The following is an entry in ClinVar:

NM_013266.4(CTNNA3):c.1018C>A (p.Gln340Lys)

Gene: CTNNA3 (catenin alpha 3; minus strand). Cytogenetic location: 10q21.3.
Variant type: single nucleotide variant.
Coding change: c.1018C>A on transcript NM_013266.4 (MANE Select); coding-DNA position 1018, C replaced by A.
Protein change: p.Gln340Lys; replaces glutamine 340 with lysine.
Molecular consequence: missense variant.
Genome position (GRCh38, 1-based): chr10:67,180,346, G>T on the plus strand (C>A on the coding strand, the complement: CTNNA3 is on the minus strand). VCF-style: chr10-67180346-G-T. GRCh37 (hg19) VCF-style: chr10-68940104-G-T.
Other names: c.1018C>A, p.Gln340Lys (NM_001127384.3); c.1054C>A, p.Gln352Lys (NM_001291133.2); short protein forms Q340K, Q352K.
Identifiers: ClinVar variation 3705314 (VCV003705314.2).
Genomic context (GRCh38, chr10:67,180,346, plus strand): 5'-CTAGGGATGGGAAGGCAAACCAGTCACCTACGTTGTTCATGTACTCTGAAAGCAGATCCT[G>T]AAGAGCCTGGCGAATGGCGTTGCATTCTGCGATAATCCGCTCTCGGTGTAAGTCCCTCGT-3'
Protein context (NP_037398.2, residues 330-350): AECNAIRQAL[Gln340Lys]DLLSEYMNNA

ClinVar aggregate classification (germline): Uncertain significance (1 of 4 stars; one submission).

Conditions:
Arrhythmogenic right ventricular dysplasia 13. Also called: ARRHYTHMOGENIC RIGHT VENTRICULAR CARDIOMYOPATHY 13; Arrhythmogenic right ventricular dysplasia, familial, 13. Identifiers: MedGen C3810138, MONDO:0000908, OMIM 615616.

gnomAD v4.1: 39 of 1,613,484 alleles (0.0024%); highest among the groups gnomAD compares: Non-Finnish European, 0.0033%; no homozygotes.

Submission:

Labcorp Genetics (formerly Invitae), Labcorp
Classification: Uncertain significance for Arrhythmogenic right ventricular dysplasia 13. Last evaluated: 2025-10-05. Review status: criteria provided, single submitter. Criteria: Invitae Variant Classification Sherloc (09022015). Collection method: clinical testing. Allele origin: germline.
Comment: This sequence change replaces glutamine, which is neutral and polar, with lysine, which is basic and polar, at codon 340 of the CTNNA3 protein (p.Gln340Lys). This variant is present in population databases (no rsID available, gnomAD 0.002%). This variant has not been reported in the literature in individuals affected with CTNNA3-related conditions. ClinVar contains an entry for this variant (Variation ID: 3705314). Invitae Evidence Modeling of protein sequence and biophysical properties (such as structural, functional, and spatial information, amino acid conservation, physicochemical variation, residue mobility, and thermodynamic stability) indicates that this missense variant is expected to disrupt CTNNA3 protein function with a positive predictive value of 80%. In summary, the available evidence is currently insufficient to determine the role of this variant in disease. Therefore, it has been classified as a Variant of Uncertain Significance.